The following is an entry in ClinVar:

ClinVar aggregate classification (germline): Uncertain significance (1 of 4 stars; one submission).

Conditions:
Arrhythmogenic cardiomyopathy with wooly hair and keratoderma. Also called: Arrhythmogenic cardiomyopathy with woolly hair and keratoderma; PALMOPLANTAR KERATODERMA WITH LEFT VENTRICULAR CARDIOMYOPATHY AND WOOLLY HAIR; Dilated cardiomyopathy with woolly hair and keratoderma; Carvajal syndrome. Identifiers: Orphanet 65282, MedGen C1854063, MONDO:0011581, OMIM 605676.
Arrhythmogenic right ventricular dysplasia 8 (ARVD8). Also called: Arrhythmogenic Right Ventricular Dysplasia/Cardiomyopathy 8; ARRHYTHMOGENIC RIGHT VENTRICULAR DYSPLASIA, FAMILIAL, 8; ARRHYTHMOGENIC RIGHT VENTRICULAR CARDIOMYOPATHY 8. Identifiers: MedGen C1843896, MONDO:0011831, OMIM 607450.

Allele frequency attached by ClinVar (database versions not stated): gnomAD exomes below 0.00001.
gnomAD v4.1: 1 of 1,614,080 alleles (0.000062%); highest among the groups gnomAD compares: East Asian, 0.0022%; no homozygotes.

Submission:

Labcorp Genetics (formerly Invitae), Labcorp
Classification: Uncertain significance for Arrhythmogenic cardiomyopathy with wooly hair and keratoderma; Arrhythmogenic right ventricular dysplasia 8. Last evaluated: 2019-08-13. Review status: criteria provided, single submitter. Criteria: Invitae Variant Classification Sherloc (09022015). Collection method: clinical testing. Allele origin: germline.
Comment: This variant has not been reported in the literature in individuals with DSP-related conditions. This sequence change replaces valine with methionine at codon 1426 of the DSP protein (p.Val1426Met). The valine residue is moderately conserved and there is a small physicochemical difference between valine and methionine. This variant is not present in population databases (ExAC no frequency). Algorithms developed to predict the effect of missense changes on protein structure and function are either unavailable or do not agree on the potential impact of this missense change (SIFT: "Deleterious"; PolyPhen-2: "Benign"; Align-GVGD: "Class C0"). In summary, the available evidence is currently insufficient to determine the role of this variant in disease. Therefore, it has been classified as a Variant of Uncertain Significance.

NM_004415.4(DSP):c.4276G>A (p.Val1426Met)

Gene: DSP (desmoplakin; plus strand). Cytogenetic location: 6p24.3.
Variant type: single nucleotide variant.
Coding change: c.4276G>A on transcript NM_004415.4 (MANE Select); coding-DNA position 4276, G replaced by A.
Protein change: p.Val1426Met; replaces valine 1426 with methionine.
Molecular consequence: missense variant. On other transcripts: intron variant (2).
Genome position (GRCh38, 1-based): chr6:7,580,466, G>A. VCF-style: chr6-7580466-G-A. GRCh37 (hg19) VCF-style: chr6-7580699-G-A.
Other names: c.4050+226G>A (NM_001319034.2); c.3582+694G>A (NM_001008844.3); short protein forms V1426M.
Identifiers: ClinVar variation 949514 (VCV000949514.10), dbSNP rs1759393186, ClinGen allele CA362685942.